The following is an entry in ClinVar:

NM_002334.4(LRP4):c.4222G>A (p.Val1408Ile)

Gene: LRP4 (LDL receptor related protein 4; minus strand). Cytogenetic location: 11p11.2.
Variant type: single nucleotide variant.
Coding change: c.4222G>A on transcript NM_002334.4 (MANE Select); coding-DNA position 4222, G replaced by A.
Protein change: p.Val1408Ile; replaces valine 1408 with isoleucine.
Molecular consequence: missense variant.
Genome position (GRCh38, 1-based): chr11:46,874,807, C>T on the plus strand (G>A on the coding strand, the complement: LRP4 is on the minus strand). VCF-style: chr11-46874807-C-T. GRCh37 (hg19) VCF-style: chr11-46896358-C-T.
Other names: short protein forms V1408I.
Identifiers: ClinVar variation 1514711 (VCV001514711.3), dbSNP rs777975583, ClinGen allele CA5969393.

ClinVar aggregate classification (germline): Uncertain significance (1 of 4 stars; one submission).

Conditions:
Congenital myasthenic syndrome 17. Identifiers: Orphanet 590, MedGen C4225377, MONDO:0014578, OMIM 616304.
Sclerosteosis 2 (SOST2). Identifiers: Orphanet 3152, MedGen C3280402, MONDO:0013679, OMIM 614305.
Cenani-Lenz syndactyly syndrome. Also called: SYNDACTYLY, TYPE VII; CENANI SYNDACTYLISM. Identifiers: Orphanet 3258, MedGen C1859309, MONDO:0008931, OMIM 212780.

Allele frequency attached by ClinVar (database versions not stated): gnomAD 0.00001; gnomAD exomes 0.00001 and 0.00005; TOPMed 0.00001; ExAC 0.00002.
gnomAD v4.1: 65 of 1,613,540 alleles (0.004%); highest among the groups gnomAD compares: Non-Finnish European, 0.0055%; no homozygotes.

Submission:

Labcorp Genetics (formerly Invitae), Labcorp
Classification: Uncertain significance for Cenani-Lenz syndactyly syndrome; Sclerosteosis 2; Congenital myasthenic syndrome 17. Last evaluated: 2022-06-04. Review status: criteria provided, single submitter. Criteria: Invitae Variant Classification Sherloc (09022015). Collection method: clinical testing. Allele origin: germline.
Comment: This sequence change replaces valine, which is neutral and non-polar, with isoleucine, which is neutral and non-polar, at codon 1408 of the LRP4 protein (p.Val1408Ile). This variant is present in population databases (rs777975583, gnomAD 0.003%). This variant has not been reported in the literature in individuals affected with LRP4-related conditions. ClinVar contains an entry for this variant (Variation ID: 1514711). Algorithms developed to predict the effect of missense changes on protein structure and function (SIFT, PolyPhen-2, Align-GVGD) all suggest that this variant is likely to be disruptive. In summary, the available evidence is currently insufficient to determine the role of this variant in disease. Therefore, it has been classified as a Variant of Uncertain Significance.